The following is an entry in ClinVar:

ClinVar aggregate classification (germline): Uncertain significance (1 of 4 stars; one submission).

Allele frequency attached by ClinVar (database versions not stated): gnomAD exomes below 0.00001; TOPMed below 0.00001.
gnomAD v4.1: 1 of 1,612,596 alleles (0.000062%); highest among the groups gnomAD compares: Non-Finnish European, 0.000085%; no homozygotes.

Submission:

Labcorp Genetics (formerly Invitae), Labcorp
Classification: Uncertain significance. Last evaluated: 2022-09-13. Review status: criteria provided, single submitter. Criteria: Invitae Variant Classification Sherloc (09022015). Collection method: clinical testing. Allele origin: germline.
Comment: This sequence change replaces serine, which is neutral and polar, with phenylalanine, which is neutral and non-polar, at codon 650 of the CEP63 protein (p.Ser650Phe). This variant is not present in population databases (gnomAD no frequency). This variant has not been reported in the literature in individuals affected with CEP63-related conditions. ClinVar contains an entry for this variant (Variation ID: 1396259). Algorithms developed to predict the effect of missense changes on protein structure and function are either unavailable or do not agree on the potential impact of this missense change (SIFT: "Deleterious"; PolyPhen-2: "Benign"; Align-GVGD: "Class C0"). In summary, the available evidence is currently insufficient to determine the role of this variant in disease. Therefore, it has been classified as a Variant of Uncertain Significance.

NM_001353108.3(CEP63):c.1949C>T (p.Ser650Phe)

Gene: CEP63 (centrosomal protein 63; plus strand). Cytogenetic location: 3q22.2.
Variant type: single nucleotide variant.
Coding change: c.1949C>T on transcript NM_001353108.3 (MANE Select); coding-DNA position 1949, C replaced by T.
Protein change: p.Ser650Phe; replaces serine 650 with phenylalanine.
Molecular consequence: missense variant. On other transcripts: non-coding transcript variant (1), intron variant (17).
Genome position (GRCh38, 1-based): chr3:134,559,425, C>T. VCF-style: chr3-134559425-C-T. GRCh37 (hg19) VCF-style: chr3-134278267-C-T.
Other names: c.1811C>T, p.Ser604Phe (NM_001353109.1); c.1949C>T, p.Ser650Phe (NM_025180.5); c.1467+7413C>T (NM_001353113.1, NM_001353117.2); c.1329+7413C>T (NM_001042384.2, NM_001353124.2, NM_001353123.2); c.1330-1952C>T (NM_001353122.1, NM_001042383.2, NM_001353121.2 and 2 more transcripts); c.1468-1952C>T (NM_001353110.1, NM_001353112.2, NM_001353111.2 and 1 more transcripts); c.1357-1952C>T (NM_001353118.1); c.967-1952C>T (NM_001353126.2); and 1 more; short protein forms S604F, S650F.
Identifiers: ClinVar variation 1396259 (VCV001396259.6), dbSNP rs1956934984, ClinGen allele CA354634327.
Genomic context (GRCh38, chr3:134,559,425, plus strand): 5'-ATGAAGCCAATTTTTCTGACACTATGTCTGAGAGTATGAATGACCAAGAAGAGTTTATAT[C>T]TTCGGTATGGAAACTTTCTGATCTTAGTAATTTGTTAGTTTTTTAAGTTTGCTTTGATTT-3'
Protein context (NP_001340037.1, residues 640-660): ESMNDQEEFI[Ser650Phe]SCSLPVSPLG